The following is an entry in ClinVar:

ClinVar aggregate classification (germline): Uncertain significance (1 of 4 stars; one submission).

Conditions:
Hereditary cancer-predisposing syndrome. Also called: Neoplastic Syndromes, Hereditary; Tumor predisposition; Hereditary Cancer Syndrome; Hereditary neoplastic syndrome. Identifiers: Orphanet 140162, MedGen C0027672, MeSH D009386, MONDO:0015356.

Submission:

Ambry Genetics
Classification: Uncertain significance for Hereditary cancer-predisposing syndrome. Last evaluated: 2025-09-19. Review status: criteria provided, single submitter. Criteria: Ambry Variant Classification Scheme 2023. Collection method: clinical testing. Allele origin: germline.
Comment: The p.P50L variant (also known as c.149C>T), located in coding exon 1 of the GREM1 gene, results from a C to T substitution at nucleotide position 149. The proline at codon 50 is replaced by leucine, an amino acid with similar properties. This amino acid position is conserved. In addition, this alteration is predicted to be tolerated by in silico analysis. Based on the available evidence, the clinical significance of this variant remains unclear.

NM_013372.7(GREM1):c.149C>T (p.Pro50Leu)

Gene: GREM1 (gremlin 1, DAN family BMP antagonist; plus strand). Cytogenetic location: 15q13.3.
Variant type: single nucleotide variant.
Coding change: c.149C>T on transcript NM_013372.7 (MANE Select); coding-DNA position 149, C replaced by T.
Protein change: p.Pro50Leu; replaces proline 50 with leucine.
Molecular consequence: missense variant. On other transcripts: intron variant (2).
Genome position (GRCh38, 1-based): chr15:32,730,839, C>T. VCF-style: chr15-32730839-C-T. GRCh37 (hg19) VCF-style: chr15-33023040-C-T.
Other names: c.149C>T, p.Pro50Leu (NM_001368719.1); c.114+35C>T (NM_001191323.2); c.28-89C>T (NM_001191322.2); short protein forms P50L.
Identifiers: ClinVar variation 4643325 (VCV004643325.1).